The following is an entry in ClinVar:

ClinVar aggregate classification (germline): Uncertain significance (1 of 4 stars; one submission).

Allele frequency attached by ClinVar (database versions not stated): gnomAD exomes 0.00007 and 0.00017; gnomAD 0.00008; TOPMed 0.00010; ExAC 0.00011.
gnomAD v4.1: 109 of 1,595,938 alleles (0.0068%); highest among the groups gnomAD compares: East Asian, 0.038%; no homozygotes.

Submission:

Labcorp Genetics (formerly Invitae), Labcorp
Classification: Uncertain significance. Last evaluated: 2025-01-20. Review status: criteria provided, single submitter. Criteria: Invitae Variant Classification Sherloc (09022015). Collection method: clinical testing. Allele origin: germline.
Comment: This sequence change replaces arginine, which is basic and polar, with glutamine, which is neutral and polar, at codon 847 of the TONSL protein (p.Arg847Gln). This variant is present in population databases (rs748273989, gnomAD 0.2%). This variant has not been reported in the literature in individuals affected with TONSL-related conditions. ClinVar contains an entry for this variant (Variation ID: 1489678). Invitae Evidence Modeling of protein sequence and biophysical properties (such as structural, functional, and spatial information, amino acid conservation, physicochemical variation, residue mobility, and thermodynamic stability) indicates that this missense variant is not expected to disrupt TONSL protein function with a negative predictive value of 80%. In summary, the available evidence is currently insufficient to determine the role of this variant in disease. Therefore, it has been classified as a Variant of Uncertain Significance.

NM_013432.5(TONSL):c.2540G>A (p.Arg847Gln)

Genes: TONSL (tonsoku like, DNA repair protein; minus strand), TONSL-AS1 (TONSL antisense RNA 1; plus strand). Cytogenetic location: 8q24.3.
Variant type: single nucleotide variant.
Coding change: c.2540G>A on transcript NM_013432.5 (MANE Select); coding-DNA position 2540, G replaced by A.
Protein change: p.Arg847Gln; replaces arginine 847 with glutamine.
Molecular consequence: missense variant.
Genome position (GRCh38, 1-based): chr8:144,435,893, C>T on the plus strand (G>A on the coding strand, the complement: TONSL is on the minus strand). VCF-style: chr8-144435893-C-T. GRCh37 (hg19) VCF-style: chr8-145661276-C-T.
Other names: short protein forms R847Q.
Identifiers: ClinVar variation 1489678 (VCV001489678.4), dbSNP rs748273989, ClinGen allele CA4942792.
Genomic context (GRCh38, chr8:144,435,893, plus strand): 5'-CTGTCCGACCCAGAGGTACTACTGGGCCTGCGGTTGTCTCCAGTGCCCCGGGGGCGGGGC[C>T]GGCGGCTGCGGGTCAGGGGCATGTCCAGCTCCAGCCAGTCCCCGGCCAGGCACTCCTCCT-3'
Protein context (NP_038460.4, residues 837-857): ELDMPLTRSR[Arg847Gln]PRPRGTGDNR